The following is an entry in ClinVar:

ClinVar aggregate classification (germline): Likely benign. Review status: criteria provided, single submitter (1 of 4 stars). 2 submissions from 2 submitters: Likely benign (1). 1 of the submissions does not count toward it. Last evaluated 2023-01-01.

Conditions:
FAT3-related disorder. Also called: FAT3-related condition.

Allele frequency attached by ClinVar (database versions not stated): gnomAD exomes 0.00017; ExAC 0.00029; ESP Exome Variant Server 0.00067; gnomAD 0.00074; TOPMed 0.00090; 1000 Genomes Project 30x 0.00203; 1000 Genomes Project 0.00220.
gnomAD v4.1: 372 of 1,613,696 alleles (0.023%); highest among the groups gnomAD compares: African/African-American, 0.28%; 3 homozygotes.

Submissions (2):

CeGaT Center for Human Genetics Tuebingen
Classification: Likely benign. Last evaluated: 2023-01-01. Review status: criteria provided, single submitter. Criteria: CeGaT Center For Human Genetics Tuebingen Variant Classification Criteria Version 2. Collection method: clinical testing. Allele origin: germline. Affected: yes. Observed: 1 variant allele.
Comment: FAT3: BP4, BP7

PreventionGenetics, part of Exact Sciences
Classification: Likely benign for FAT3-related condition. Last evaluated: 2019-03-11. Review status: no assertion criteria provided. Collection method: clinical testing. Allele origin: germline. Not counted in ClinVar's aggregate classification.
Comment: This variant is classified as likely benign based on ACMG/AMP sequence variant interpretation guidelines (Richards et al. 2015 PMID: 25741868, with internal and published modifications).

NM_001367949.2(FAT3):c.4026G>A (p.Thr1342=)

Gene: FAT3 (FAT atypical cadherin 3; plus strand). Cytogenetic location: 11q14.3.
Variant type: single nucleotide variant.
Coding change: c.4026G>A on transcript NM_001367949.2 (MANE Select); coding-DNA position 4026, G replaced by A.
Protein change: p.Thr1342=; no amino-acid change (threonine 1342 retained).
Molecular consequence: synonymous variant.
Genome position (GRCh38, 1-based): chr11:92,764,920, G>A. VCF-style: chr11-92764920-G-A. GRCh37 (hg19) VCF-style: chr11-92498086-G-A.
Other names: c.4026G>A, p.Thr1342= (NM_001008781.3); c.4026G>A (NM_001008781.2).
Identifiers: ClinVar variation 2642270 (VCV002642270.25), dbSNP rs139642369, ClinGen allele CA6226821.